The following is an entry in ClinVar:

ClinVar aggregate classification (germline): Pathogenic (1 of 4 stars; one submission).

Conditions:
Marfan syndrome (MFS). Also called: FBN1-Related Marfan Syndrome; MARFAN SYNDROME, TYPE I; Marfan syndrome type 1; Marfan's syndrome; Marfan syndrome, classic. Identifiers: Orphanet 284963, Orphanet 558, MedGen C0024796, MONDO:0007947, OMIM 154700.
Familial thoracic aortic aneurysm and aortic dissection (TAAD). Also called: Thoracic aortic aneurysms and dissections. Identifiers: Orphanet 91387, MedGen C4707243, MONDO:0019625.

Submission:

Labcorp Genetics (formerly Invitae), Labcorp
Classification: Pathogenic for Marfan syndrome; Familial thoracic aortic aneurysm and aortic dissection. Last evaluated: 2025-06-11. Review status: criteria provided, single submitter. Criteria: Invitae Variant Classification Sherloc (09022015). Collection method: clinical testing. Allele origin: germline.
Comment: This sequence change creates a premature translational stop signal (p.Pro414Phefs*33) in the FBN1 gene. It is expected to result in an absent or disrupted protein product. Loss-of-function variants in FBN1 are known to be pathogenic (PMID: 17657824, 19293843). This variant is not present in population databases (gnomAD no frequency). This variant has not been reported in the literature in individuals affected with FBN1-related conditions. For these reasons, this variant has been classified as Pathogenic.

Literature cited by the submitters: PubMed 17657824; PubMed 19293843.

NM_000138.5(FBN1):c.1236_1239del (p.Pro414fs)

Gene: FBN1 (fibrillin 1; minus strand). Cytogenetic location: 15q21.1.
Variant type: Deletion.
Coding change: c.1236_1239del on transcript NM_000138.5 (MANE Select); coding-DNA positions 1236 to 1239, 4 bases deleted (TCTC; older notation c.1236_1239delTCTC).
Protein change: p.Pro414fs; shifts the reading frame from proline 414.
Molecular consequence: frameshift variant.
Genome position (GRCh38, 1-based): chr15:48,516,271-48,516,274, GAGA deleted on the plus strand (TCTC on the coding strand, the reverse complement: FBN1 is on the minus strand). VCF-style (leftmost placement, unchanged base first): chr15-48516270-GGAGA-G. GRCh37 (hg19) VCF-style: chr15-48808467-GGAGA-G.
Other names: c.1236_1239del, p.Pro414fs (NM_001406716.1); short protein forms P414fs.
Identifiers: ClinVar variation 4785278 (VCV004785278.1).
Genomic context (GRCh38, chr15:48,516,270, plus strand): 5'-ATTCCACTGGTGGTCGAGGGACCGGAATTTGAGGTCCAGGAGGAAAGCCAGGAGGAACAG[GGAGA>G]ACTGGAGGAATGGGGCCAAGGGGTGGGGGAGGATATTCTGGTCTCCCAGGAATTACCATA-3'